The following is an entry in ClinVar:

NM_203446.3(SYNJ1):c.3124C>T (p.Pro1042Ser)

Gene: SYNJ1 (synaptojanin 1; minus strand). Cytogenetic location: 21q22.11.
Variant type: single nucleotide variant.
Coding change: c.3124C>T on transcript NM_203446.3 (MANE Select); coding-DNA position 3124, C replaced by T.
Protein change: p.Pro1042Ser; replaces proline 1042 with serine.
Molecular consequence: missense variant.
Genome position (GRCh38, 1-based): chr21:32,646,516, G>A on the plus strand (C>T on the coding strand, the complement: SYNJ1 is on the minus strand). VCF-style: chr21-32646516-G-A. GRCh37 (hg19) VCF-style: chr21-34018826-G-A.
Other names: c.3124C>T, p.Pro1042Ser (NM_001160302.2); c.3109C>T, p.Pro1037Ser (NM_001160306.2); c.3241C>T, p.Pro1081Ser (NM_003895.4); short protein forms P1042S, P1037S, P1081S.
Identifiers: ClinVar variation 1446655 (VCV001446655.6), dbSNP rs1361089216, ClinGen allele CA410069550.

ClinVar aggregate classification (germline): Uncertain significance (1 of 4 stars; one submission).

Conditions:
Developmental and epileptic encephalopathy, 53. Also called: Epileptic encephalopathy, early infantile, 53. Identifiers: MedGen C4479313, MONDO:0033362, OMIM 617389.
Early-onset Parkinson disease 20. Also called: PARKINSON DISEASE 20, AUTOSOMAL RECESSIVE EARLY-ONSET. Identifiers: Orphanet 391411, MedGen C3809824, MONDO:0014233, OMIM 615530.

gnomAD v4.1: 2 of 1,614,152 alleles (0.00012%); highest among the groups gnomAD compares: Non-Finnish European, 0.00017%; no homozygotes.

Submission:

Labcorp Genetics (formerly Invitae), Labcorp
Classification: Uncertain significance for Developmental and epileptic encephalopathy, 53; Early-onset Parkinson disease 20. Last evaluated: 2022-07-19. Review status: criteria provided, single submitter. Criteria: Invitae Variant Classification Sherloc (09022015). Collection method: clinical testing. Allele origin: germline.
Comment: This variant is not present in population databases (gnomAD no frequency). In summary, the available evidence is currently insufficient to determine the role of this variant in disease. Therefore, it has been classified as a Variant of Uncertain Significance. Algorithms developed to predict the effect of missense changes on protein structure and function are either unavailable or do not agree on the potential impact of this missense change (SIFT: "Deleterious"; PolyPhen-2: "Possibly Damaging"; Align-GVGD: "Class C0"). ClinVar contains an entry for this variant (Variation ID: 1446655). This variant has not been reported in the literature in individuals affected with SYNJ1-related conditions. This sequence change replaces proline, which is neutral and non-polar, with serine, which is neutral and polar, at codon 1081 of the SYNJ1 protein (p.Pro1081Ser).